The following is an entry in ClinVar:

ClinVar aggregate classification (germline): Pathogenic. Review status: criteria provided, single submitter (1 of 4 stars). 2 submissions from 2 submitters: Pathogenic (1). 1 of the submissions does not count toward it. Last evaluated 2023-05-22.

Conditions:
Alstrom syndrome (ALMS). Identifiers: Orphanet 64, MedGen C0268425, MONDO:0008763, OMIM 203800.

Submissions (2):

Labcorp Genetics (formerly Invitae), Labcorp
Classification: Pathogenic for Alstrom syndrome. Last evaluated: 2023-05-22. Review status: criteria provided, single submitter. Criteria: Invitae Variant Classification Sherloc (09022015). Collection method: clinical testing. Allele origin: germline.
Comment: For these reasons, this variant has been classified as Pathogenic. This sequence change creates a premature translational stop signal (p.Ser2908Leufs*19) in the ALMS1 gene. It is expected to result in an absent or disrupted protein product. Loss-of-function variants in ALMS1 are known to be pathogenic (PMID: 17594715). This variant is not present in population databases (gnomAD no frequency). This variant has not been reported in the literature in individuals affected with ALMS1-related conditions. ClinVar contains an entry for this variant (Variation ID: 553972).

Counsyl
Classification: Likely pathogenic for Alstrom syndrome. Last evaluated: 2017-10-06. Review status: no assertion criteria provided. Collection method: clinical testing. Allele origin: unknown. Not counted in ClinVar's aggregate classification.

Literature cited by the submitters: PubMed 17594715 (cited by Labcorp Genetics (formerly Invitae), Labcorp).

NM_001378454.1(ALMS1):c.8718dup (p.Ser2907fs)

Gene: ALMS1 (ALMS1 centrosome and basal body associated protein; plus strand). Cytogenetic location: 2p13.1.
Variant type: Duplication.
Coding change: c.8718dup on transcript NM_001378454.1 (MANE Select); coding-DNA position 8718, one base duplicated (C; older notation c.8718dupC).
Protein change: p.Ser2907fs; shifts the reading frame from serine 2907.
Molecular consequence: frameshift variant.
Genome position (GRCh38, 1-based): chr2:73,490,677, C duplicated; the last of 3 consecutive C bases (chr2:73,490,675-73,490,677); duplicating any one gives the same sequence. VCF-style (leftmost placement, unchanged base first): chr2-73490674-T-TC. GRCh37 (hg19) VCF-style: chr2-73717801-T-TC.
Other names: c.8721dupC (NM_015120.4); c.8721dup, p.Ser2908fs (NM_015120.4); short protein forms S2908fs, S2907fs.
Identifiers: ClinVar variation 553972 (VCV000553972.5), dbSNP rs1553409764, ClinGen allele CA658821981.